The following is an entry in ClinVar:

NM_001127217.3(SMAD9):c.950C>G (p.Ser317Cys)

Gene: SMAD9 (SMAD family member 9; minus strand). Cytogenetic location: 13q13.3.
Variant type: single nucleotide variant.
Coding change: c.950C>G on transcript NM_001127217.3 (MANE Select); coding-DNA position 950, C replaced by G.
Protein change: p.Ser317Cys; replaces serine 317 with cysteine.
Molecular consequence: missense variant.
Genome position (GRCh38, 1-based): chr13:36,865,590, G>C on the plus strand (C>G on the coding strand, the complement: SMAD9 is on the minus strand). VCF-style: chr13-36865590-G-C. GRCh37 (hg19) VCF-style: chr13-37439727-G-C.
Other names: c.839C>G, p.Ser280Cys (NM_001378621.1, NM_005905.6); c.839C>G (NM_005905.5); short protein forms S280C, S317C.
Identifiers: ClinVar variation 1027683 (VCV001027683.3), dbSNP rs781563938, ClinGen allele CA6950431.

ClinVar aggregate classification (germline): Uncertain significance. Review status: criteria provided, multiple submitters, no conflicts (2 of 4 stars). 3 submissions from 3 submitters: Uncertain significance (3). Last evaluated 2025-10-06.

Conditions:
Inborn genetic diseases. Identifiers: MedGen C0950123, MeSH D030342.
Pulmonary hypertension, primary, 2. Identifiers: Orphanet 422, MedGen C3888002, MONDO:0014134, OMIM 615342.

Allele frequency attached by ClinVar (database versions not stated): ExAC 0.00001; TOPMed 0.00002; gnomAD exomes below 0.00001.
gnomAD v4.1: 4 of 1,613,976 alleles (0.00025%); highest among the groups gnomAD compares: African/African-American, 0.004%; no homozygotes.

Submissions (3):

Ambry Genetics
Classification: Uncertain significance for Inborn genetic diseases. Last evaluated: 2025-10-06. Review status: criteria provided, single submitter. Criteria: Ambry Variant Classification Scheme 2023. Collection method: clinical testing. Allele origin: germline.

Fulgent Genetics
Classification: Uncertain significance for Pulmonary hypertension, primary, 2. Last evaluated: 2022-03-28. Review status: criteria provided, single submitter. Criteria: ACMG Guidelines, 2015. Collection method: clinical testing. Allele origin: unknown.

Baylor Genetics
Classification: Uncertain significance for Pulmonary hypertension, primary, 2. Last evaluated: 2019-08-30. Review status: criteria provided, single submitter. Criteria: ACMG Guidelines, 2015. Collection method: clinical testing. Allele origin: unknown. Affected: yes.
Comment: This variant was determined to be of uncertain significance according to ACMG Guidelines, 2015 [PMID:25741868].